The following is an entry in ClinVar:

ClinVar aggregate classification (germline): Uncertain significance (1 of 4 stars; one submission).

Conditions:
Hypophosphatasia. Also called: Phosphoethanol-aminuria. Identifiers: Orphanet 436, MedGen C0020630, MeSH D007014, MONDO:0018570.

Submission:

JKU Lab, Dept of Paediatrics, Johannes Kepler University
Classification: Uncertain significance for Hypophosphatasia. Last evaluated: 2026-04-14. Review status: criteria provided, single submitter. Criteria: ACMG Guidelines, 2015. Collection method: curation, in vitro. Allele origin: germline, not applicable. Functional consequence: decreased enzyme activity.
Comment: This missense variant is not present in GnomAD 4.1 and affects a highly conserved amino acid in the homodimeric interface domain. The variant is predicted to affect protein function (REVEL score: 0.848). Splice-prediction algorithms predict no effect on splicing. In vitro functional studies showed reduced ALP activity without a dominant negative effect. This variant has not been reported in the literature in individuals affected by ALPL-related conditions. The results of the functional testing and the applied ACMG criteria can be viewed at an online resource

NM_000478.6(ALPL):c.122T>C (p.Leu41Pro)

Gene: ALPL (alkaline phosphatase, biomineralization associated; plus strand). Cytogenetic location: 1p36.12.
Variant type: single nucleotide variant.
Coding change: c.122T>C on transcript NM_000478.6 (MANE Select); coding-DNA position 122, T replaced by C.
Protein change: p.Leu41Pro; replaces leucine 41 with proline.
Molecular consequence: missense variant. On other transcripts: 5 prime UTR variant (1).
Genome position (GRCh38, 1-based): chr1:21,560,686, T>C. VCF-style: chr1-21560686-T-C. GRCh37 (hg19) VCF-style: chr1-21887179-T-C.
Other names: c.-44T>C (NM_001127501.4); c.7T>C, p.Trp3Arg (NM_001177520.3); c.122T>C, p.Leu41Pro (NM_001369803.2, NM_001369804.2, NM_001369805.2); short protein forms L41P, W3R.
Identifiers: ClinVar variation 4851465 (VCV004851465.1).